The following is an entry in ClinVar:

ClinVar aggregate classification (germline): Uncertain significance (1 of 4 stars; one submission).

gnomAD v4.1: 2 of 1,609,400 alleles (0.00012%); highest among the groups gnomAD compares: Non-Finnish European, 0.00017%; no homozygotes.

Submission:

Labcorp Genetics (formerly Invitae), Labcorp
Classification: Uncertain significance. Last evaluated: 2022-11-06. Review status: criteria provided, single submitter. Criteria: Invitae Variant Classification Sherloc (09022015). Collection method: clinical testing. Allele origin: germline.
Comment: This sequence change replaces glycine, which is neutral and non-polar, with valine, which is neutral and non-polar, at codon 232 of the PIAS1 protein (p.Gly232Val). This variant is not present in population databases (gnomAD no frequency). This variant has not been reported in the literature in individuals affected with PIAS1-related conditions. Algorithms developed to predict the effect of missense changes on protein structure and function are either unavailable or do not agree on the potential impact of this missense change (SIFT: "Not Available"; PolyPhen-2: "Probably Damaging"; Align-GVGD: "Not Available"). In summary, the available evidence is currently insufficient to determine the role of this variant in disease. Therefore, it has been classified as a Variant of Uncertain Significance.

NM_016166.3(PIAS1):c.695G>T (p.Gly232Val)

Gene: PIAS1 (protein inhibitor of activated STAT 1; plus strand). Cytogenetic location: 15q23.
Variant type: single nucleotide variant.
Coding change: c.695G>T on transcript NM_016166.3 (MANE Select); coding-DNA position 695, G replaced by T.
Protein change: p.Gly232Val; replaces glycine 232 with valine.
Molecular consequence: missense variant.
Genome position (GRCh38, 1-based): chr15:68,146,567, G>T. VCF-style: chr15-68146567-G-T. GRCh37 (hg19) VCF-style: chr15-68438905-G-T.
Other names: c.701G>T, p.Gly234Val (NM_001320687.1); short protein forms G234V, G232V.
Identifiers: ClinVar variation 2812383 (VCV002812383.3), dbSNP rs2505204463, ClinGen allele CA393210801.